The following is an entry in ClinVar:

NM_002439.5(MSH3):c.1802T>C (p.Leu601Pro)

Gene: MSH3 (mutS homolog 3; plus strand). Cytogenetic location: 5q14.1.
Variant type: single nucleotide variant.
Coding change: c.1802T>C on transcript NM_002439.5 (MANE Select); coding-DNA position 1802, T replaced by C.
Protein change: p.Leu601Pro; replaces leucine 601 with proline.
Molecular consequence: missense variant.
Genome position (GRCh38, 1-based): chr5:80,761,584, T>C. VCF-style: chr5-80761584-T-C. GRCh37 (hg19) VCF-style: chr5-80057403-T-C.
Other names: c.1802T>C (NM_002439.3); short protein forms L601P.
Identifiers: ClinVar variation 2830891 (VCV002830891.4), dbSNP rs2546770020, ClinGen allele CA360276543.

ClinVar aggregate classification (germline): Uncertain significance. Review status: criteria provided, multiple submitters, no conflicts (2 of 4 stars). 2 submissions from 2 submitters: Uncertain significance (2). Last evaluated 2026-07-06.

Conditions:
Hereditary cancer-predisposing syndrome. Also called: Hereditary Cancer Syndrome; Hereditary neoplastic syndrome; Neoplastic Syndromes, Hereditary; Tumor predisposition. Identifiers: Orphanet 140162, MedGen C0027672, MeSH D009386, MONDO:0015356.

Submissions (2):

Ambry Genetics
Classification: Uncertain significance for Hereditary cancer-predisposing syndrome. Last evaluated: 2026-07-06. Review status: criteria provided, single submitter. Criteria: Ambry Variant Classification Scheme 2023. Collection method: clinical testing. Allele origin: germline.
Comment: The p.L601P variant (also known as c.1802T>C), located in coding exon 13 of the MSH3 gene, results from a T to C substitution at nucleotide position 1802. The leucine at codon 601 is replaced by proline, an amino acid with similar properties. This amino acid position is conserved. In addition, this alteration is predicted to be deleterious by in silico analysis. Based on the available evidence, the clinical significance of this variant remains unclear.

Labcorp Genetics (formerly Invitae), Labcorp
Classification: Uncertain significance. Last evaluated: 2023-01-23. Review status: criteria provided, single submitter. Criteria: Invitae Variant Classification Sherloc (09022015). Collection method: clinical testing. Allele origin: germline.
Comment: Algorithms developed to predict the effect of missense changes on protein structure and function are either unavailable or do not agree on the potential impact of this missense change (SIFT: "Deleterious"; PolyPhen-2: "Probably Damaging"; Align-GVGD: "Class C0"). This variant has not been reported in the literature in individuals affected with MSH3-related conditions. This variant is not present in population databases (gnomAD no frequency). This sequence change replaces leucine, which is neutral and non-polar, with proline, which is neutral and non-polar, at codon 601 of the MSH3 protein (p.Leu601Pro). In summary, the available evidence is currently insufficient to determine the role of this variant in disease. Therefore, it has been classified as a Variant of Uncertain Significance.